The following is an entry in ClinVar:

ClinVar aggregate classification (germline): Uncertain significance. Review status: criteria provided, multiple submitters, no conflicts (2 of 4 stars). 2 submissions from 2 submitters: Uncertain significance (2). Last evaluated 2024-11-02.

Conditions:
Hereditary cancer-predisposing syndrome. Also called: Neoplastic Syndromes, Hereditary; Tumor predisposition; Hereditary neoplastic syndrome; Hereditary Cancer Syndrome. Identifiers: Orphanet 140162, MedGen C0027672, MeSH D009386, MONDO:0015356.
Rhabdoid tumor predisposition syndrome 2 (RTPS2). Identifiers: Orphanet 231108, Orphanet 69077, MedGen C2750074, MONDO:0013224, OMIM 613325.

Submissions (2):

Ambry Genetics
Classification: Uncertain significance for Hereditary cancer-predisposing syndrome. Last evaluated: 2024-11-02. Review status: criteria provided, single submitter. Criteria: Ambry Variant Classification Scheme 2023. Collection method: clinical testing. Allele origin: germline.
Comment: The p.G271A variant (also known as c.812G>C), located in coding exon 4 of the SMARCA4 gene, results from a G to C substitution at nucleotide position 812. The glycine at codon 271 is replaced by alanine, an amino acid with similar properties. This amino acid position is conserved. In addition, the in silico prediction for this alteration is inconclusive. Based on the available evidence, the clinical significance of this variant remains unclear.

Labcorp Genetics (formerly Invitae), Labcorp
Classification: Uncertain significance for Rhabdoid tumor predisposition syndrome 2. Last evaluated: 2023-11-25. Review status: criteria provided, single submitter. Criteria: Invitae Variant Classification Sherloc (09022015). Collection method: clinical testing. Allele origin: germline.
Comment: This sequence change replaces glycine, which is neutral and non-polar, with alanine, which is neutral and non-polar, at codon 271 of the SMARCA4 protein (p.Gly271Ala). This variant is not present in population databases (gnomAD no frequency). This variant has not been reported in the literature in individuals affected with SMARCA4-related conditions. Advanced modeling of protein sequence and biophysical properties (such as structural, functional, and spatial information, amino acid conservation, physicochemical variation, residue mobility, and thermodynamic stability) performed at Invitae indicates that this missense variant is not expected to disrupt SMARCA4 protein function with a negative predictive value of 95%. In summary, the available evidence is currently insufficient to determine the role of this variant in disease. Therefore, it has been classified as a Variant of Uncertain Significance.

NM_003072.5(SMARCA4):c.812G>C (p.Gly271Ala)

Gene: SMARCA4 (SWI/SNF related BAF chromatin remodeling complex subunit ATPase 4; plus strand). Cytogenetic location: 19p13.2.
Variant type: single nucleotide variant.
Coding change: c.812G>C on transcript NM_003072.5 (MANE Select); coding-DNA position 812, G replaced by C.
Protein change: p.Gly271Ala; replaces glycine 271 with alanine.
Molecular consequence: missense variant. On other transcripts: non-coding transcript variant (1).
Genome position (GRCh38, 1-based): chr19:10,986,956, G>C. VCF-style: chr19-10986956-G-C. GRCh37 (hg19) VCF-style: chr19-11097632-G-C.
Other names: c.812G>C, p.Gly271Ala (NM_001128848.2, NM_001128849.3, NM_001411150.1 and 6 more transcripts); c.812G>C (NM_001128849.1); short protein forms G271A.
Identifiers: ClinVar variation 2698891 (VCV002698891.4), dbSNP rs2145796890, ClinGen allele CA404058019.